The following is an entry in ClinVar:

ClinVar aggregate classification (germline): Uncertain significance. Review status: criteria provided, multiple submitters, no conflicts (2 of 4 stars). 3 submissions from 3 submitters: Uncertain significance (3). Last evaluated 2026-06-03.

Conditions:
Inborn genetic diseases. Identifiers: MedGen C0950123, MeSH D030342.
Mowat-Wilson syndrome (MOWS). Also called: Classic Mowat-Wilson Syndrome. Identifiers: Orphanet 2152, MedGen C1856113, MONDO:0009341, OMIM 235730.

Submissions (3):

Ambry Genetics
Classification: Uncertain significance for Inborn genetic diseases. Last evaluated: 2026-06-03. Review status: criteria provided, single submitter. Criteria: Ambry Variant Classification Scheme 2023. Collection method: clinical testing. Allele origin: germline.
Comment: The c.31C>T (p.R11W) alteration is located in exon 2 (coding exon 1) of the ZEB2 gene. This alteration results from a C to T substitution at nucleotide position 31, causing the arginine (R) at amino acid position 11 to be replaced by a tryptophan (W). Based on data from gnomAD, the T allele has an overall frequency of <0.001% (1/247638) total alleles studied. The highest observed frequency was 0.001% (1/110804) of European (non-Finnish) alleles. Based on insufficient or conflicting evidence, the clinical significance of this alteration remains unclear.

GeneDx
Classification: Uncertain significance. Last evaluated: 2024-05-10. Review status: criteria provided, single submitter. Criteria: GeneDx Variant Classification Process June 2021. Collection method: clinical testing. Allele origin: germline. Affected: yes.
Comment: In silico analysis supports that this missense variant has a deleterious effect on protein structure/function; Has not been previously published as pathogenic or benign to our knowledge

Baylor Genetics
Classification: Uncertain significance for Mowat-Wilson syndrome. Last evaluated: 2018-02-26. Review status: criteria provided, single submitter. Criteria: ACMG Guidelines, 2015. Collection method: clinical testing. Allele origin: unknown. Affected: yes.
Comment: This variant was determined to be of uncertain significance according to ACMG Guidelines, 2015 [PMID:25741868].

NM_014795.4(ZEB2):c.31C>T (p.Arg11Trp)

Gene: ZEB2 (zinc finger E-box binding homeobox 2; minus strand). Cytogenetic location: 2q22.3.
Variant type: single nucleotide variant.
Coding change: c.31C>T on transcript NM_014795.4 (MANE Select); coding-DNA position 31, C replaced by T.
Protein change: p.Arg11Trp; replaces arginine 11 with tryptophan.
Molecular consequence: missense variant. On other transcripts: non-coding transcript variant (1).
Genome position (GRCh38, 1-based): chr2:144,517,320, G>A on the plus strand (C>T on the coding strand, the complement: ZEB2 is on the minus strand). VCF-style: chr2-144517320-G-A. GRCh37 (hg19) VCF-style: chr2-145274887-G-A.
Other names: c.31C>T, p.Arg11Trp (NM_001171653.2); short protein forms R11W.
Identifiers: ClinVar variation 1032637 (VCV001032637.3), dbSNP rs1380456738, ClinGen allele CA348858389.